The following is an entry in ClinVar:

NM_000744.7(CHRNA4):c.740C>T (p.Thr247Ile)

Gene: CHRNA4 (cholinergic receptor nicotinic alpha 4 subunit; minus strand). Cytogenetic location: 20q13.33.
Variant type: single nucleotide variant.
Coding change: c.740C>T on transcript NM_000744.7 (MANE Select); coding-DNA position 740, C replaced by T.
Protein change: p.Thr247Ile; replaces threonine 247 with isoleucine.
Molecular consequence: missense variant. On other transcripts: non-coding transcript variant (1).
Genome position (GRCh38, 1-based): chr20:63,350,671, G>A on the plus strand (C>T on the coding strand, the complement: CHRNA4 is on the minus strand). VCF-style: chr20-63350671-G-A. GRCh37 (hg19) VCF-style: chr20-61982023-G-A.
Other names: c.212C>T, p.Thr71Ile (NM_001256573.2); short protein forms T247I, T71I.
Identifiers: ClinVar variation 3896087 (VCV003896087.1).
Genomic context (GRCh38, chr20:63,350,671, plus strand): 5'-AGGTAGAAGACCAGCACGGTGAGGCAGGAGATGAGCAGGCAGGGGATGATGAGGTTGATG[G>A]TGTAGAAGAGCGGCAGCCGCCGGATGACGAAGGCATAGGTGATGTCCGGGTAGATCTCGG-3'
Protein context (NP_000735.1, residues 237-257): FVIRRLPLFY[Thr247Ile]INLIIPCLLI

ClinVar aggregate classification (germline): Uncertain significance (1 of 4 stars; one submission).

gnomAD v4.1: 3 of 1,614,050 alleles (0.00019%); highest among the groups gnomAD compares: African/African-American, 0.0013%; no homozygotes.

Submission:

Women's Health and Genetics/Laboratory Corporation of America, LabCorp
Classification: Uncertain significance. Last evaluated: 2025-03-19. Review status: criteria provided, single submitter. Criteria: LabCorp Variant Classification Summary - May 2015. Collection method: clinical testing. Allele origin: germline.
Comment: Variant summary: CHRNA4 c.740C>T (p.Thr247Ile) results in a non-conservative amino acid change in the encoded protein sequence. Three of five in-silico tools predict a damaging effect of the variant on protein function. The variant was absent in 251064 control chromosomes. The available data on variant occurrences in the general population are insufficient to allow any conclusion about variant significance. To our knowledge, no occurrence of c.740C>T in individuals affected with Epilepsy, Nocturnal Frontal Lobe, Type 1 and no experimental evidence demonstrating its impact on protein function have been reported. No submitters have cited clinical-significance assessments for this variant to ClinVar. Based on the evidence outlined above, the variant was classified as uncertain significance.